The following is an entry in ClinVar:

NM_024664.4(PPCS):c.297G>T (p.Gln99His)

Genes: CCDC30 (coiled-coil domain containing 30; plus strand), PPCS (phosphopantothenoylcysteine synthetase; plus strand), LOC129930344 (ATAC-STARR-seq lymphoblastoid active region 894; plus strand). Cytogenetic location: 1p34.2.
Variant type: single nucleotide variant.
Coding change: c.297G>T on transcript NM_024664.4 (MANE Select); coding-DNA position 297, G replaced by T.
Protein change: p.Gln99His; replaces glutamine 99 with histidine.
Molecular consequence: missense variant. On other transcripts: 5 prime UTR variant (1), intron variant (6).
Genome position (GRCh38, 1-based): chr1:42,456,862, G>T. VCF-style: chr1-42456862-G-T. GRCh37 (hg19) VCF-style: chr1-42922533-G-T.
Other names: c.-396G>T (NM_001287510.2); c.297G>T, p.Gln99His (NM_001287511.2); c.-984+363G>T (NM_001355226.2); c.-328+363G>T (NM_001287507.1); c.-12+363G>T (NM_001287506.1); c.-12+138G>T (NM_001287508.2); c.-12+234G>T (NM_001077447.3); c.-12+279G>T (NM_001287509.2); short protein forms Q99H.
Identifiers: ClinVar variation 1896228 (VCV001896228.4), dbSNP rs933236176, ClinGen allele CA21217065.
Genomic context (GRCh38, chr1:42,456,862, plus strand): 5'-GGTCCTGTTCTTGTATCGCGCTCGCTCTGCCTTCCCCTATGCCCACCGCTTCCCACCCCA[G>T]ACTTGGCTGTCCGCTCTGCGGCCTTCGGGCCCAGCCCTTTCGGGCTTGCTGAGCCTGGAG-3'
Protein context (NP_078940.2, residues 89-109): AFPYAHRFPP[Gln99His]TWLSALRPSG

ClinVar aggregate classification (germline): Uncertain significance (1 of 4 stars; one submission).

Allele frequency attached by ClinVar (database versions not stated): TOPMed 0.00002.
gnomAD v4.1: 8 of 1,613,470 alleles (0.0005%); highest among the groups gnomAD compares: Non-Finnish European, 0.00059%; no homozygotes.

Submission:

Labcorp Genetics (formerly Invitae), Labcorp
Classification: Uncertain significance. Last evaluated: 2023-06-27. Review status: criteria provided, single submitter. Criteria: Invitae Variant Classification Sherloc (09022015). Collection method: clinical testing. Allele origin: germline.
Comment: This variant has not been reported in the literature in individuals affected with PPCS-related conditions. In summary, the available evidence is currently insufficient to determine the role of this variant in disease. Therefore, it has been classified as a Variant of Uncertain Significance. Advanced modeling of protein sequence and biophysical properties (such as structural, functional, and spatial information, amino acid conservation, physicochemical variation, residue mobility, and thermodynamic stability) performed at Invitae indicates that this missense variant is not expected to disrupt PPCS protein function. ClinVar contains an entry for this variant (Variation ID: 1896228). This variant is not present in population databases (gnomAD no frequency). This sequence change replaces glutamine, which is neutral and polar, with histidine, which is basic and polar, at codon 99 of the PPCS protein (p.Gln99His).